The following is an entry in ClinVar:

ClinVar aggregate classification (germline): Likely benign. Review status: criteria provided, multiple submitters, no conflicts (2 of 4 stars). 2 submissions from 2 submitters: Likely benign (2). Last evaluated 2024-07-01.

gnomAD v4.1: 1,097 of 1,230,948 alleles (0.089%); highest among the groups gnomAD compares: South Asian, 0.13%; no homozygotes.

Submissions (2):

CeGaT Center for Human Genetics Tuebingen
Classification: Likely benign. Last evaluated: 2024-07-01. Review status: criteria provided, single submitter. Criteria: CeGaT Center For Human Genetics Tuebingen Variant Classification Criteria Version 2. Collection method: clinical testing. Allele origin: germline. Affected: yes. Observed: 1 variant allele.
Comment: RP1: BP4, BP7

Blueprint Genetics
Classification: Likely benign. Last evaluated: 2022-12-27. Review status: criteria provided, single submitter. Criteria: ACMG Guidelines, 2015. Collection method: clinical testing. Allele origin: germline.

NM_001375654.1(RP1):c.3816C>T (p.Ile1272=)

Gene: RP1 (RP1 axonemal microtubule associated; plus strand). Cytogenetic location: 8q12.1.
Variant type: single nucleotide variant.
Coding change: c.3816C>T on transcript NM_001375654.1; coding-DNA position 3816, C replaced by T.
Protein change: p.Ile1272=; no amino-acid change (isoleucine 1272 retained).
Molecular consequence: synonymous variant.
Genome position (GRCh38, 1-based): chr8:54,852,653, C>T. VCF-style: chr8-54852653-C-T. GRCh37 (hg19) VCF-style: chr8-55765213-C-T.
Identifiers: ClinVar variation 3257125 (VCV003257125.17).
Genomic context (GRCh38, chr8:54,852,653, plus strand): 5'-CATATACACAGGCACAATGACAGGTGCAGAAACAGAGTCTAATGTATTTATCAACCTCAT[C>T]GGTACCAGAGGTGATTCAGGAAAACGAAGACTTCATCAGTCCAAAAACAATGAAATCAAG-3'